The following is an entry in ClinVar:

NM_000051.4(ATM):c.5977dup (p.Ser1993fs)

Genes: ATM (ATM serine/threonine kinase; plus strand), C11orf65 (chromosome 11 open reading frame 65; minus strand). Cytogenetic location: 11q22.3.
Variant type: Duplication.
Coding change: c.5977dup on transcript NM_000051.4 (MANE Select); coding-DNA position 5977, one base duplicated (A; older notation c.5977dupA).
Protein change: p.Ser1993fs; shifts the reading frame from serine 1993.
Molecular consequence: frameshift variant. On other transcripts: intron variant (2).
Genome position (GRCh38, 1-based): chr11:108,312,469, A duplicated; the last of 6 consecutive A bases (chr11:108,312,464-108,312,469); duplicating any one gives the same sequence. VCF-style (leftmost placement, unchanged base first): chr11-108312463-G-GA. GRCh37 (hg19) VCF-style: chr11-108183190-G-GA.
Other names: c.5977dup, p.Ser1993fs (NM_001351834.2); c.641-3393dup (NM_001330368.2); c.*39-3393dup (NM_001351110.2); c.5977dupA (NM_000051.3); short protein forms S1993fs.
Identifiers: ClinVar variation 1677209 (VCV001677209.8), dbSNP rs1591758642, ClinGen allele CA645596404.

ClinVar aggregate classification (germline): Pathogenic/Likely pathogenic. Review status: criteria provided, multiple submitters, no conflicts (2 of 4 stars). 5 submissions from 5 submitters: Pathogenic (4); Likely pathogenic (1). Last evaluated 2026-03-06.

Conditions:
Familial cancer of breast. Also called: Hereditary breast cancer; hereditary breast carcinoma; BREAST CANCER, FAMILIAL. Identifiers: Orphanet 227535, MedGen C0346153, MONDO:0016419, OMIM 114480. Disease mechanism: loss of function.
Ataxia-telangiectasia syndrome (AT). Also called: Ataxia telangiectasia (A-T); LOUIS-BAR SYNDROME; Cerebello-oculocutaneous telangiectasia; Immunodeficiency with ataxia telangiectasia; Ataxia-telangiectasia, complementation group D; AT, COMPLEMENTATION GROUP C. Identifiers: Orphanet 100, MedGen C0004135, MONDO:0008840, OMIM 208900.
Hereditary cancer-predisposing syndrome. Also called: Hereditary neoplastic syndrome; Neoplastic Syndromes, Hereditary; Tumor predisposition; Hereditary Cancer Syndrome. Identifiers: Orphanet 140162, MedGen C0027672, MeSH D009386, MONDO:0015356.

Submissions (5):

Ambry Genetics
Classification: Pathogenic for Hereditary cancer-predisposing syndrome. Last evaluated: 2026-03-06. Review status: criteria provided, single submitter. Criteria: Ambry Variant Classification Scheme 2023. Collection method: clinical testing. Allele origin: germline.
Comment: The c.5977dupA pathogenic mutation, located in coding exon 39 of the ATM gene, results from a duplication of A at nucleotide position 5977, causing a translational frameshift with a predicted alternate stop codon (p.S1993Kfs*2). This variant has been identified in conjunction with other ATM variant(s) in individual(s) with features consistent with Ataxia telangiectasia (Hoche F et al. Pediatr Neurol, 2014 Sep;51:297-310). This variant is considered to be rare based on population cohorts in the Genome Aggregation Database (gnomAD). This variant is expected to result in loss of function by premature protein truncation or nonsense-mediated mRNA decay. As such, this alteration is interpreted as a disease-causing mutation.

Labcorp Genetics (formerly Invitae), Labcorp
Classification: Pathogenic for Ataxia-telangiectasia syndrome. Last evaluated: 2024-10-07. Review status: criteria provided, single submitter. Criteria: Invitae Variant Classification Sherloc (09022015). Collection method: clinical testing. Allele origin: germline.
Comment: This sequence change creates a premature translational stop signal (p.Ser1993Lysfs*2) in the ATM gene. It is expected to result in an absent or disrupted protein product. Loss-of-function variants in ATM are known to be pathogenic (PMID: 23807571, 25614872). This variant is not present in population databases (gnomAD no frequency). This premature translational stop signal has been observed in individual(s) with ataxia telangiectasia (PMID: 9887333). ClinVar contains an entry for this variant (Variation ID: 1677209). Algorithms developed to predict the effect of sequence changes on RNA splicing suggest that this variant may disrupt the consensus splice site. For these reasons, this variant has been classified as Pathogenic.

Myriad Genetics, Inc.
Classification: Pathogenic for Familial cancer of breast. Last evaluated: 2024-01-26. Review status: criteria provided, single submitter. Criteria: Myriad Autosomal Dominant, Autosomal Recessive and X-Linked Classification Criteria (2023). Collection method: clinical testing. Allele origin: unknown.
Comment: This variant is considered pathogenic. This variant creates a frameshift predicted to result in premature protein truncation.

Women's Health and Genetics/Laboratory Corporation of America, LabCorp
Classification: Likely pathogenic for Ataxia-telangiectasia syndrome. Last evaluated: 2022-03-29. Review status: criteria provided, single submitter. Criteria: LabCorp Variant Classification Summary - May 2015. Collection method: clinical testing. Allele origin: germline.
Comment: Variant summary: ATM c.5977dupA (p.Ser1993LysfsX2) results in a premature termination codon, predicted to cause a truncation of the encoded protein or absence of the protein due to nonsense mediated decay, which are commonly known mechanisms for disease. Truncations downstream of this position have been classified as pathogenic by our laboratory. The variant was absent in 250966 control chromosomes (gnomAD). c.5977dupA has been reported in the literature in individuals affected with Ataxia-Telangiectasia (Sandoval_1999, Hoche_2014). To our knowledge, no experimental evidence demonstrating an impact on protein function has been reported. No clinical diagnostic laboratories have submitted clinical-significance assessments for this variant to ClinVar after 2014. Based on the evidence outlined above, the variant was classified as likely pathogenic.

Baylor Genetics
Classification: Pathogenic for Familial cancer of breast. Last evaluated: 2022-01-26. Review status: criteria provided, single submitter. Criteria: ACMG Guidelines, 2015. Collection method: clinical testing. Allele origin: unknown.

Literature cited by the submitters: PubMed 25037873 (cited by Ambry Genetics and Women's Health and Genetics/Laboratory Corporation of America, LabCorp); PubMed 23807571 (cited by Labcorp Genetics (formerly Invitae), Labcorp); PubMed 25614872 (cited by Labcorp Genetics (formerly Invitae), Labcorp); PubMed 9887333 (cited by Labcorp Genetics (formerly Invitae), Labcorp and Women's Health and Genetics/Laboratory Corporation of America, LabCorp).